The following is an entry in ClinVar:

ClinVar aggregate classification (germline): Likely benign. Review status: criteria provided, single submitter (1 of 4 stars). 2 submissions from 2 submitters: Likely benign (1). 1 of the submissions does not count toward it. Last evaluated 2026-01-21.

Conditions:
KMT2D-related disorder. Also called: KMT2D-Related Disorders.
Kabuki syndrome. Also called: NIIKAWA-KUROKI SYNDROME; Kabuki make-up syndrome. Identifiers: Orphanet 2322, MedGen C0796004, MONDO:0016512.

Submissions (2):

Labcorp Genetics (formerly Invitae), Labcorp
Classification: Likely benign for Kabuki syndrome. Last evaluated: 2026-01-21. Review status: criteria provided, single submitter. Criteria: Invitae Variant Classification Sherloc (09022015). Collection method: clinical testing. Allele origin: germline.

PreventionGenetics, part of Exact Sciences
Classification: Likely benign for KMT2D-related condition. Last evaluated: 2022-05-05. Review status: no assertion criteria provided. Collection method: clinical testing. Allele origin: germline. Not counted in ClinVar's aggregate classification.
Comment: This variant is classified as likely benign based on ACMG/AMP sequence variant interpretation guidelines (Richards et al. 2015 PMID: 25741868, with internal and published modifications).

NM_003482.4(KMT2D):c.15417G>A (p.Lys5139=)

Gene: KMT2D (lysine methyltransferase 2D; minus strand). Cytogenetic location: 12q13.12.
Variant type: single nucleotide variant.
Coding change: c.15417G>A on transcript NM_003482.4 (MANE Select); coding-DNA position 15417, G replaced by A.
Protein change: p.Lys5139=; no amino-acid change (lysine 5139 retained).
Molecular consequence: synonymous variant.
Genome position (GRCh38, 1-based): chr12:49,026,549, C>T on the plus strand (G>A on the coding strand, the complement: KMT2D is on the minus strand). VCF-style: chr12-49026549-C-T. GRCh37 (hg19) VCF-style: chr12-49420332-C-T.
Identifiers: ClinVar variation 3029755 (VCV003029755.3), dbSNP rs2120359993, ClinGen allele CA479706369.